The following is an entry in ClinVar:

ClinVar aggregate classification (germline): Uncertain significance. Review status: criteria provided, multiple submitters, no conflicts (2 of 4 stars). 2 submissions from 2 submitters: Uncertain significance (2). Last evaluated 2026-01-30.

Conditions:
Epidermolysis bullosa simplex, Ogna type (EBS5A). Also called: EPIDERMOLYSIS BULLOSA SIMPLEX 5A, OGNA TYPE; Pidermolysis bullosa simplex 5A, Ogna type. Identifiers: Orphanet 79401, MedGen C0432317, MONDO:0007555, OMIM 131950.
Epidermolysis bullosa simplex 5B, with muscular dystrophy (EBS5B). Also called: Epidermolysis bullosa simplex with muscular dystrophy; EPIDERMOLYSIS BULLOSA SIMPLEX AND LIMB-GIRDLE MUSCULAR DYSTROPHY. Identifiers: Orphanet 257, MedGen C2931072, MONDO:0009181, OMIM 226670.
Epidermolysis bullosa simplex with nail dystrophy (EBS5D). Identifiers: MedGen C4225309, MONDO:0014661, OMIM 616487.
Epidermolysis bullosa simplex 5C, with pyloric atresia (EBS5C). Also called: Epidermolysis bullosa simplex with pyloric atresia; PLEC-Related Epidermolysis Bullosa with Pyloric Atresia; PLEC1-Related Epidermolysis Bullosa with Pyloric Atresia. Identifiers: Orphanet 158684, MedGen C2677349, MONDO:0012807, OMIM 612138.
Autosomal recessive limb-girdle muscular dystrophy type 2Q (LGMDR17). Also called: MUSCULAR DYSTROPHY, LIMB-GIRDLE, AUTOSOMAL RECESSIVE 17. Identifiers: Orphanet 254361, MedGen C3150989, MONDO:0013390, OMIM 613723.
PLEC-related disorder. Also called: PLEC-related condition; PLEC-related disorders.

Submissions (2):

PreventionGenetics, part of Exact Sciences
Classification: Uncertain significance for PLEC-related condition. Last evaluated: 2026-01-30. Review status: criteria provided, single submitter. Criteria: ACMG Guidelines, 2015. Collection method: clinical testing. Allele origin: germline.
Comment: The PLEC c.9264G>C variant is predicted to result in the amino acid substitution p.Gln3088His. To our knowledge, this variant has not been reported in the literature. This variant is reported in 0.050% of alleles in individuals of Ashkenazi Jewish descent in gnomAD. At this time, the clinical significance of this variant is uncertain due to the absence of conclusive functional and genetic evidence.

Labcorp Genetics (formerly Invitae), Labcorp
Classification: Uncertain significance for Autosomal recessive limb-girdle muscular dystrophy type 2Q; Epidermolysis bullosa simplex, Ogna type; Epidermolysis bullosa simplex with nail dystrophy; Epidermolysis bullosa simplex 5C, with pyloric atresia; Epidermolysis bullosa simplex 5B, with muscular dystrophy. Last evaluated: 2025-05-30. Review status: criteria provided, single submitter. Criteria: Invitae Variant Classification Sherloc (09022015). Collection method: clinical testing. Allele origin: germline.
Comment: This sequence change replaces glutamine, which is neutral and polar, with histidine, which is basic and polar, at codon 3088 of the PLEC protein (p.Gln3088His). This variant is present in population databases (rs782471249, gnomAD 0.04%). This variant has not been reported in the literature in individuals affected with PLEC-related conditions. An algorithm developed to predict the effect of missense changes on protein structure and function (PolyPhen-2) suggests that this variant is likely to be disruptive. In summary, the available evidence is currently insufficient to determine the role of this variant in disease. Therefore, it has been classified as a Variant of Uncertain Significance.

NM_201384.3(PLEC):c.9183G>C (p.Gln3061His)

Gene: PLEC (plectin; minus strand). Cytogenetic location: 8q24.3.
Variant type: single nucleotide variant.
Coding change: c.9183G>C on transcript NM_201384.3 (MANE Select); coding-DNA position 9183, G replaced by C.
Protein change: p.Gln3061His; replaces glutamine 3061 with histidine.
Molecular consequence: missense variant.
Genome position (GRCh38, 1-based): chr8:143,920,638, C>G on the plus strand (G>C on the coding strand, the complement: PLEC is on the minus strand). VCF-style: chr8-143920638-C-G. GRCh37 (hg19) VCF-style: chr8-144994806-C-G.
Other names: c.9264G>C, p.Gln3088His (NM_000445.5); c.5883G>C, p.Gln1961His (NM_001410941.1); c.9141G>C, p.Gln3047His (NM_201378.4); c.9117G>C, p.Gln3039His (NM_201379.3); c.9594G>C, p.Gln3198His (NM_201380.4); c.9087G>C, p.Gln3029His (NM_201381.3); c.9183G>C, p.Gln3061His (NM_201382.4); c.9195G>C, p.Gln3065His (NM_201383.3); and 1 more; short protein forms Q3047H, Q3061H, Q3198H, Q1961H, Q3029H, Q3039H, Q3065H, Q3088H.
Identifiers: ClinVar variation 4788082 (VCV004788082.2).
Genomic context (GRCh38, chr8:143,920,638, plus strand): 5'-TGCCTCGTCCACGGTCAGCCGGGCGCTGGTGGCGGGGTCGATGATGTGCCCGGTGCCGGC[C>G]TGGGCTTCCAACAGGGCCACGGCCATGTCGGATGGCAGCAGGTCTTTCTTCAGGGCATTG-3'
Protein context (NP_958786.1, residues 3051-3071): SDMAVALLEA[Gln3061His]AGTGHIIDPA